The following is an entry in ClinVar:

NM_001184880.2(PCDH19):c.2820C>G (p.Thr940=)

Gene: PCDH19 (protocadherin 19; minus strand). Cytogenetic location: Xq22.1.
Variant type: single nucleotide variant.
Coding change: c.2820C>G on transcript NM_001184880.2 (MANE Select); coding-DNA position 2820, C replaced by G.
Protein change: p.Thr940=; no amino-acid change (threonine 940 retained).
Molecular consequence: synonymous variant.
Genome position (GRCh38, 1-based): chrX:100,341,931, G>C on the plus strand (C>G on the coding strand, the complement: PCDH19 is on the minus strand). VCF-style: chrX-100341931-G-C. GRCh37 (hg19) VCF-style: chrX-99596929-G-C.
Other names: c.2679C>G, p.Thr893= (NM_001105243.2); c.2676C>G, p.Thr892= (NM_020766.3).
Identifiers: ClinVar variation 1335781 (VCV001335781.37), dbSNP rs375040933, ClinGen allele CA10468705.

ClinVar aggregate classification (germline): Likely benign. Review status: criteria provided, multiple submitters, no conflicts (2 of 4 stars). 2 submissions from 2 submitters: Likely benign (2). Last evaluated 2024-12-30.

Conditions:
Developmental and epileptic encephalopathy, 9 (DEE9). Also called: JUBERG-HELLMAN SYNDROME; EPILEPSY, FEMALE-RESTRICTED, WITH MENTAL RETARDATION; Early infantile epileptic encephalopathy 9; PCDH19-Related X-Linked Female-Limited Epilepsy with Mental Retardation. Identifiers: Orphanet 101039, Orphanet 2076, MedGen C1848137, MONDO:0010246, OMIM 300088. Disease mechanism: loss of function.

Allele frequency attached by ClinVar (database versions not stated): ExAC 0.00001; gnomAD 0.00002; gnomAD exomes 0.00002; TOPMed 0.00002; ESP Exome Variant Server 0.00010.
gnomAD v4.1: 22 of 1,208,705 alleles (0.0018%); highest among the groups gnomAD compares: Non-Finnish European, 0.0021%; no homozygotes.

Submissions (2):

Labcorp Genetics (formerly Invitae), Labcorp
Classification: Likely benign for Developmental and epileptic encephalopathy, 9. Last evaluated: 2024-12-30. Review status: criteria provided, single submitter. Criteria: Invitae Variant Classification Sherloc (09022015). Collection method: clinical testing. Allele origin: germline.

CeGaT Center for Human Genetics Tuebingen
Classification: Likely benign. Last evaluated: 2024-03-01. Review status: criteria provided, single submitter. Criteria: CeGaT Center For Human Genetics Tuebingen Variant Classification Criteria Version 2. Collection method: clinical testing. Allele origin: germline. Affected: yes. Observed: 2 variant alleles.
Comment: PCDH19: BP4, BP7, BS2